The following is an entry in ClinVar:

NM_006088.6(TUBB4B):c.1302C>T (p.Gly434=)

Gene: TUBB4B (tubulin beta 4B class IVb; plus strand). Cytogenetic location: 9q34.3.
Variant type: single nucleotide variant.
Coding change: c.1302C>T on transcript NM_006088.6 (MANE Select); coding-DNA position 1302, C replaced by T.
Protein change: p.Gly434=; no amino-acid change (glycine 434 retained).
Molecular consequence: synonymous variant.
Genome position (GRCh38, 1-based): chr9:137,243,520, C>T. VCF-style: chr9-137243520-C-T. GRCh37 (hg19) VCF-style: chr9-140137972-C-T.
Other names: c.1302C>T (NM_006088.5).
Identifiers: ClinVar variation 2767773 (VCV002767773.4), dbSNP rs534454406, ClinGen allele CA5365500.

ClinVar aggregate classification (germline): Likely benign. Review status: criteria provided, multiple submitters, no conflicts (2 of 4 stars). 2 submissions from 2 submitters: Likely benign (2). Last evaluated 2026-02-13.

Conditions:
TUBB4B-related disorder. Also called: TUBB4B-related condition.

Allele frequency attached by ClinVar (database versions not stated): TOPMed 0.00002; gnomAD exomes 0.00003; ExAC 0.00004; gnomAD 0.00004; 1000 Genomes Project 30x 0.00031; 1000 Genomes Project 0.00040.

Submissions (2):

PreventionGenetics, part of Exact Sciences
Classification: Likely benign for TUBB4B-related condition. Last evaluated: 2026-02-13. Review status: criteria provided, single submitter. Criteria: ACMG Guidelines, 2015. Collection method: clinical testing. Allele origin: germline.
Comment: This variant is classified as likely benign based on ACMG/AMP sequence variant interpretation guidelines (Richards et al. 2015 PMID: 25741868, with internal and published modifications).

Labcorp Genetics (formerly Invitae), Labcorp
Classification: Likely benign. Last evaluated: 2023-06-16. Review status: criteria provided, single submitter. Criteria: Invitae Variant Classification Sherloc (09022015). Collection method: clinical testing. Allele origin: germline.